The following is an entry in ClinVar:

ClinVar aggregate classification (germline): Uncertain significance (1 of 4 stars; one submission).

Submission:

Ambry Genetics
Classification: Uncertain significance. Last evaluated: 2026-05-14. Review status: criteria provided, single submitter. Criteria: Ambry Variant Classification Scheme 2023. Collection method: clinical testing. Allele origin: germline.
Comment: The p.S473F variant (also known as c.1418C>T), located in coding exon 1 of the TET2 gene, results from a C to T substitution at nucleotide position 1418. The serine at codon 473 is replaced by phenylalanine, an amino acid with highly dissimilar properties. This amino acid position is conserved. In addition, this alteration is predicted to be tolerated by in silico analysis. Based on the available evidence, the clinical significance of this variant remains unclear.

NM_001127208.3(TET2):c.1418C>T (p.Ser473Phe)

Genes: TET2 (tet methylcytosine dioxygenase 2; plus strand), TET2-AS1 (TET2 antisense RNA 1; minus strand). Cytogenetic location: 4q24.
Variant type: single nucleotide variant.
Coding change: c.1418C>T on transcript NM_001127208.3 (MANE Select); coding-DNA position 1418, C replaced by T.
Protein change: p.Ser473Phe; replaces serine 473 with phenylalanine.
Molecular consequence: missense variant.
Genome position (GRCh38, 1-based): chr4:105,235,360, C>T. VCF-style: chr4-105235360-C-T. GRCh37 (hg19) VCF-style: chr4-106156517-C-T.
Other names: c.1418C>T, p.Ser473Phe (NM_017628.4); short protein forms S473F.
Identifiers: ClinVar variation 4865574 (VCV004865574.1).